The following is an entry in ClinVar:

NM_005732.4(RAD50):c.260G>T (p.Arg87Leu)

Gene: RAD50 (RAD50 double strand break repair protein; plus strand). Cytogenetic location: 5q31.1.
Variant type: single nucleotide variant.
Coding change: c.260G>T on transcript NM_005732.4 (MANE Select); coding-DNA position 260, G replaced by T.
Protein change: p.Arg87Leu; replaces arginine 87 with leucine.
Molecular consequence: missense variant.
Genome position (GRCh38, 1-based): chr5:132,575,823, G>T. VCF-style: chr5-132575823-G-T. GRCh37 (hg19) VCF-style: chr5-131911515-G-T.
Other names: short protein forms R87L.
Identifiers: ClinVar variation 482082 (VCV000482082.16), dbSNP rs374561375, ClinGen allele CA3404948.

ClinVar aggregate classification (germline): Uncertain significance. Review status: criteria provided, multiple submitters, no conflicts (2 of 4 stars). 3 submissions from 3 submitters: Uncertain significance (3). Last evaluated 2024-04-05.

Conditions:
Hereditary cancer-predisposing syndrome. Also called: Neoplastic Syndromes, Hereditary; Tumor predisposition; Hereditary Cancer Syndrome; Hereditary neoplastic syndrome. Identifiers: Orphanet 140162, MedGen C0027672, MeSH D009386, MONDO:0015356.
Nijmegen breakage syndrome-like disorder (NBSLD). Also called: MICROCEPHALY AND SPONTANEOUS CHROMOSOME INSTABILITY WITHOUT IMMUNODEFICIENCY; NBS-LIKE DISORDER; RAD50 DEFICIENCY. Identifiers: Orphanet 240760, MedGen C2751318, MONDO:0013118, OMIM 613078.

gnomAD v4.1: 3 of 1,602,258 alleles (0.00019%); highest among the groups gnomAD compares: Admixed American, 0.0033%; no homozygotes.

Submissions (3):

Labcorp Genetics (formerly Invitae), Labcorp
Classification: Uncertain significance for Hereditary cancer-predisposing syndrome. Last evaluated: 2024-04-05. Review status: criteria provided, single submitter. Criteria: Invitae Variant Classification Sherloc (09022015). Collection method: clinical testing. Allele origin: germline.
Comment: This sequence change replaces arginine, which is basic and polar, with leucine, which is neutral and non-polar, at codon 87 of the RAD50 protein (p.Arg87Leu). This variant is present in population databases (rs374561375, gnomAD 0.004%). This variant has not been reported in the literature in individuals affected with RAD50-related conditions. ClinVar contains an entry for this variant (Variation ID: 482082). Advanced modeling of protein sequence and biophysical properties (such as structural, functional, and spatial information, amino acid conservation, physicochemical variation, residue mobility, and thermodynamic stability) performed at Invitae indicates that this missense variant is not expected to disrupt RAD50 protein function with a negative predictive value of 80%. In summary, the available evidence is currently insufficient to determine the role of this variant in disease. Therefore, it has been classified as a Variant of Uncertain Significance.

Ambry Genetics
Classification: Uncertain significance for Hereditary cancer-predisposing syndrome. Last evaluated: 2024-03-30. Review status: criteria provided, single submitter. Criteria: Ambry Variant Classification Scheme 2023. Collection method: clinical testing. Allele origin: germline.
Comment: The p.R87L variant (also known as c.260G>T), located in coding exon 3 of the RAD50 gene, results from a G to T substitution at nucleotide position 260. The arginine at codon 87 is replaced by leucine, an amino acid with dissimilar properties. This amino acid position is not well conserved in available vertebrate species. In addition, this alteration is predicted to be tolerated by in silico analysis. Since supporting evidence is limited at this time, the clinical significance of this alteration remains unclear.

Baylor Genetics
Classification: Uncertain significance for Nijmegen breakage syndrome-like disorder. Last evaluated: 2023-07-11. Review status: criteria provided, single submitter. Criteria: ACMG Guidelines, 2015. Collection method: clinical testing. Allele origin: unknown.